The following is an entry in ClinVar:

NM_003560.4(PLA2G6):c.1648del (p.Arg550fs)

Gene: PLA2G6 (phospholipase A2 group VI; minus strand). Cytogenetic location: 22q13.1.
Variant type: Deletion.
Coding change: c.1648del on transcript NM_003560.4 (MANE Select); coding-DNA position 1648, one base deleted (C; older notation c.1648delC).
Protein change: p.Arg550fs; shifts the reading frame from arginine 550.
Molecular consequence: frameshift variant.
Genome position (GRCh38, 1-based): chr22:38,120,853, G deleted on the plus strand (C on the coding strand, the reverse complement: PLA2G6 is on the minus strand); the first of 2 consecutive G bases (chr22:38,120,853-38,120,854); deleting either gives the same sequence. VCF-style (leftmost placement, unchanged base first): chr22-38120852-CG-C. GRCh37 (hg19) VCF-style: chr22-38516859-CG-C.
Other names: c.1486del, p.Arg496fs (NM_001004426.3, NM_001199562.3, NM_001349865.2 and 1 more transcripts); c.1648del, p.Arg550fs (NM_001349864.2); c.1114del, p.Arg372fs (NM_001349867.2); c.970del, p.Arg324fs (NM_001349868.2); c.952del, p.Arg318fs (NM_001349869.2); short protein forms R318fs, R324fs, R372fs, R496fs, R550fs.
Identifiers: ClinVar variation 1712833 (VCV001712833.2), dbSNP rs2517951676, ClinGen allele CA2580099885.

ClinVar aggregate classification (germline): Pathogenic (1 of 4 stars; one submission).

Submission:

GeneDx
Classification: Pathogenic. Last evaluated: 2022-04-19. Review status: criteria provided, single submitter. Criteria: GeneDx Variant Classification Process June 2021. Collection method: clinical testing. Allele origin: germline. Affected: yes.
Comment: Frameshift variant predicted to result in protein truncation or nonsense mediated decay in a gene for which loss of function is a known mechanism of disease; Not observed at significant frequency in large population cohorts (gnomAD); This variant is associated with the following publications: (PMID: 31196701)